The following is an entry in ClinVar:

ClinVar aggregate classification (germline): Benign. Review status: criteria provided, multiple submitters, no conflicts (2 of 4 stars). 2 submissions from 2 submitters: Benign (2). Last evaluated 2018-01-12.

Conditions:
Peroxisome biogenesis disorder 7A (Zellweger). Also called: Peroxisome biogenesis disorder 7A. Identifiers: Orphanet 912, MedGen C3888385, MONDO:0013938, OMIM 614872.

Allele frequency attached by ClinVar (database versions not stated): gnomAD exomes 0.01162; gnomAD 0.10686 and 0.10823; 1000 Genomes Project 0.12260; TOPMed 0.12443; 1000 Genomes Project 30x 0.12570.
gnomAD v4.1: 16,245 of 154,144 alleles (11%); highest among the groups gnomAD compares: Admixed American, 20%; 1,090 homozygotes.

Submissions (2):

Illumina Laboratory Services, Illumina
Classification: Benign for Peroxisome biogenesis disorder 7A (Zellweger). Last evaluated: 2018-01-12. Review status: criteria provided, single submitter. Criteria: ICSL Variant Classification Criteria 13 December 2019. Collection method: clinical testing. Allele origin: germline.
Comment: This variant was observed in the ICSL laboratory as part of a predisposition screen in an ostensibly healthy population. It had not been previously curated by ICSL or reported in the Human Gene Mutation Database (HGMD: prior to June 1st, 2018), and was therefore a candidate for classification through an automated scoring system. Utilizing variant allele frequency, disease prevalence and penetrance estimates, and inheritance mode, an automated score was calculated to assess if this variant is too frequent to cause the disease. Based on the score and internal cut-off values, a variant classified as benign is not then subjected to further curation. The score for this variant resulted in a classification of benign for this disease.

Breakthrough Genomics
Classification: Benign. Review status: criteria provided, single submitter. Criteria: ACMG Guidelines, 2015. Collection method: not provided. Allele origin: germline. Inheritance: Autosomal recessive inheritance. Affected: yes.

NM_001127649.3(PEX26):c.*1590G>A

Gene: PEX26 (peroxisomal biogenesis factor 26; plus strand). Cytogenetic location: 22q11.21.
Variant type: single nucleotide variant.
Coding change: c.*1590G>A on transcript NM_001127649.3 (MANE Select); 1590 bases downstream of the stop codon, G replaced by A.
Molecular consequence: 3 prime UTR variant.
Genome position (GRCh38, 1-based): chr22:18,089,665, G>A. VCF-style: chr22-18089665-G-A. GRCh37 (hg19) VCF-style: chr22-18572431-G-A.
Other names: c.*1590G>A (NM_001199319.2, NM_017929.6).
Identifiers: ClinVar variation 340789 (VCV000340789.6), dbSNP rs5992169, ClinGen allele CA10653215.